The following is an entry in ClinVar:

ClinVar aggregate classification (germline): Conflicting classifications of pathogenicity. Review status: criteria provided, conflicting classifications (1 of 4 stars). 7 submissions from 7 submitters: Uncertain significance (3); Benign (2); Likely benign (2). Last evaluated 2025-11-06.

Conditions:
ADGRV1-related disorder. Also called: ADGRV1-related condition; ADGRV1-related disorders.
Inborn genetic diseases. Identifiers: MedGen C0950123, MeSH D030342.
Usher syndrome type 2C. Also called: Usher syndrome, type 2B; USHER SYNDROME, TYPE IIC. Identifiers: Orphanet 231178, Orphanet 886, MedGen C2931213, MONDO:0011558, OMIM 605472.

Allele frequency attached by ClinVar (database versions not stated): ExAC 0.00013; gnomAD exomes 0.00013; 1000 Genomes Project 30x 0.00031; 1000 Genomes Project 0.00040; ESP Exome Variant Server 0.00042; gnomAD 0.00048 and 0.00053; TOPMed 0.00052.
gnomAD v4.1: 178 of 1,595,212 alleles (0.011%); highest among the groups gnomAD compares: African/African-American, 0.15%; no homozygotes.

Submissions (7):

Labcorp Genetics (formerly Invitae), Labcorp
Classification: Benign. Last evaluated: 2025-11-06. Review status: criteria provided, single submitter. Criteria: Invitae Variant Classification Sherloc (09022015). Collection method: clinical testing. Allele origin: germline.

PreventionGenetics, part of Exact Sciences
Classification: Likely benign for ADGRV1-related condition. Last evaluated: 2024-11-27. Review status: criteria provided, single submitter. Criteria: ACMG Guidelines, 2015. Collection method: clinical testing. Allele origin: germline.
Comment: This variant is classified as likely benign based on ACMG/AMP sequence variant interpretation guidelines (Richards et al. 2015 PMID: 25741868, with internal and published modifications).

Blueprint Genetics
Classification: Benign. Last evaluated: 2024-07-05. Review status: criteria provided, single submitter. Criteria: ACMG Guidelines, 2015. Collection method: clinical testing. Allele origin: germline.

Ambry Genetics
Classification: Uncertain significance for Inborn genetic diseases. Last evaluated: 2024-06-17. Review status: criteria provided, single submitter. Criteria: Ambry Variant Classification Scheme 2023. Collection method: clinical testing. Allele origin: germline.

GeneDx
Classification: Likely benign. Last evaluated: 2021-10-07. Review status: criteria provided, single submitter. Criteria: GeneDx Variant Classification Process June 2021. Collection method: clinical testing. Allele origin: germline. Affected: yes.

Illumina Laboratory Services, Illumina
Classification: Uncertain significance for Usher syndrome type 2C. Last evaluated: 2018-01-13. Review status: criteria provided, single submitter. Criteria: ICSL Variant Classification Criteria 13 December 2019. Collection method: clinical testing. Allele origin: germline.

Eurofins Ntd Llc (ga)
Classification: Uncertain significance. Last evaluated: 2014-11-22. Review status: criteria provided, single submitter. Criteria: EGL Classification Definitions 2015. Collection method: clinical testing. Allele origin: germline. Observed: 1 variant allele, 1 heterozygote.

NM_032119.4(ADGRV1):c.11761G>A (p.Ala3921Thr)

Gene: ADGRV1 (adhesion G protein-coupled receptor V1; plus strand). Cytogenetic location: 5q14.3.
Variant type: single nucleotide variant.
Coding change: c.11761G>A on transcript NM_032119.4 (MANE Select); coding-DNA position 11761, G replaced by A.
Protein change: p.Ala3921Thr; replaces alanine 3921 with threonine.
Molecular consequence: missense variant. On other transcripts: non-coding transcript variant (1).
Genome position (GRCh38, 1-based): chr5:90,756,982, G>A. VCF-style: chr5-90756982-G-A. GRCh37 (hg19) VCF-style: chr5-90052799-G-A.
Other names: short protein forms A3921T.
Identifiers: ClinVar variation 198008 (VCV000198008.23), dbSNP rs200576500, ClinGen allele CA246474.
Genomic context (GRCh38, chr5:90,756,982, plus strand): 5'-ATGACTTATGAGAGTTACCATTTTATCTTGCCTTTCAATTATATTCTTTACTTAAAGGGC[G>A]CTGGGGAAGTTATTACTGCCTATGAGGTGCCTCCACCCTTGAACGTTCTTCAAGTTCCTG-3'
Protein context (NP_115495.3, residues 3911-3931): GIFMFHVTRG[Ala3921Thr]GEVITAYEVP